The following is an entry in ClinVar:

ClinVar aggregate classification (germline): Benign (1 of 4 stars; one submission).

Allele frequency attached by ClinVar (database versions not stated): 1000 Genomes Project 30x 0.73032; 1000 Genomes Project 0.73662; TOPMed 0.78865; gnomAD 0.80154 and 0.80450.
gnomAD v4.1: 121,735 of 151,668 alleles (80%); highest among the groups gnomAD compares: Non-Finnish European, 88%; 49,445 homozygotes.

Submission:

GeneDx
Classification: Benign. Last evaluated: 2018-06-19. Review status: criteria provided, single submitter. Criteria: GeneDx Variant Classification (06012015). Collection method: clinical testing. Allele origin: germline. Affected: yes.
Comment: This variant is considered likely benign or benign based on one or more of the following criteria: it is a conservative change, it occurs at a poorly conserved position in the protein, it is predicted to be benign by multiple in silico algorithms, and/or has population frequency not consistent with disease.

NM_001291303.3(FAT4):c.7450+288C>T

Gene: FAT4 (FAT atypical cadherin 4; plus strand). Cytogenetic location: 4q28.1.
Variant type: single nucleotide variant.
Coding change: c.7450+288C>T on transcript NM_001291303.3 (MANE Select); 288 bases into the intron after coding-DNA position 7450, C replaced by T.
Molecular consequence: intron variant.
Genome position (GRCh38, 1-based): chr4:125,446,831, C>T. VCF-style: chr4-125446831-C-T. GRCh37 (hg19) VCF-style: chr4-126367986-C-T.
Other names: c.7450+288C>T (NM_001291285.3); c.7444+288C>T (NM_024582.6).
Identifiers: ClinVar variation 668139 (VCV000668139.1), dbSNP rs10084892, ClinGen allele CA104878106.